The following is an entry in ClinVar:

NM_198252.3(GSN):c.1939G>A (p.Val647Ile)

Gene: GSN (gelsolin; plus strand). Cytogenetic location: 9q33.2.
Variant type: single nucleotide variant.
Coding change: c.1939G>A on transcript NM_198252.3 (MANE Select); coding-DNA position 1939, G replaced by A.
Protein change: p.Val647Ile; replaces valine 647 with isoleucine.
Molecular consequence: missense variant.
Genome position (GRCh38, 1-based): chr9:121,329,289, G>A. VCF-style: chr9-121329289-G-A. GRCh37 (hg19) VCF-style: chr9-124091567-G-A.
Other names: c.2092G>A, p.Val698Ile (NM_000177.5); c.1939G>A, p.Val647Ile (NM_001127662.2, NM_001127664.2, NM_001127665.2 and 10 more transcripts); c.2047G>A, p.Val683Ile (NM_001127663.2); c.1972G>A, p.Val658Ile (NM_001127666.2, NM_001127667.2, NM_001353072.2 and 13 more transcripts); c.1990G>A, p.Val664Ile (NM_001258029.2); c.1963G>A, p.Val655Ile (NM_001258030.2); c.2011G>A, p.Val671Ile (NM_001353076.2); c.1285G>A, p.Val429Ile (NM_001353078.2); short protein forms V658I, V683I, V698I, V671I, V429I, V655I, V664I, V647I.
Identifiers: ClinVar variation 1512534 (VCV001512534.11), dbSNP rs752572521, ClinGen allele CA5221473.

ClinVar aggregate classification (germline): Conflicting classifications of pathogenicity. Review status: criteria provided, conflicting classifications (1 of 4 stars). 4 submissions from 4 submitters: Uncertain significance (2); Likely benign (1). 1 of the submissions does not count toward it. Last evaluated 2026-01-21.

Conditions:
GSN-related disorder. Also called: GSN-related condition.
Inborn genetic diseases. Identifiers: MedGen C0950123, MeSH D030342.
Finnish type amyloidosis. Also called: Lattice corneal dystrophy associated with familial systemic amyloidosis; Meretoja's syndrome; Lattice dystrophy of the cornea with hereditary generalized amyloidosis; Amyloidosis, familial, Finnish type; Meretoja type amyloidosis; Amyloidosis 5. Identifiers: Orphanet 85448, MedGen C1622345, MONDO:0007097, OMIM 105120.

Allele frequency attached by ClinVar (database versions not stated): ExAC 0.00003; gnomAD exomes 0.00005 and 0.00006; gnomAD 0.00019 and 0.00020; TOPMed 0.00028.
gnomAD v4.1: 114 of 1,610,154 alleles (0.0071%); highest among the groups gnomAD compares: African/African-American, 0.041%; no homozygotes.

Submissions (4):

Labcorp Genetics (formerly Invitae), Labcorp
Classification: Uncertain significance. Last evaluated: 2026-01-21. Review status: criteria provided, single submitter. Criteria: Invitae Variant Classification Sherloc (09022015). Collection method: clinical testing. Allele origin: germline.
Comment: This sequence change replaces valine, which is neutral and non-polar, with isoleucine, which is neutral and non-polar, at codon 698 of the GSN protein (p.Val698Ile). This variant is present in population databases (rs752572521, gnomAD 0.04%), and has an allele count higher than expected for a pathogenic variant. This variant has not been reported in the literature in individuals affected with GSN-related conditions. ClinVar contains an entry for this variant (Variation ID: 1512534). Invitae Evidence Modeling of protein sequence and biophysical properties (such as structural, functional, and spatial information, amino acid conservation, physicochemical variation, residue mobility, and thermodynamic stability) indicates that this missense variant is not expected to disrupt GSN protein function with a negative predictive value of 80%. In summary, the available evidence is currently insufficient to determine the role of this variant in disease. Therefore, it has been classified as a Variant of Uncertain Significance.

Fulgent Genetics
Classification: Likely benign for Finnish type amyloidosis. Last evaluated: 2024-01-06. Review status: criteria provided, single submitter. Criteria: ACMG Guidelines, 2015. Collection method: clinical testing. Allele origin: germline.

Ambry Genetics
Classification: Uncertain significance for Inborn genetic diseases. Last evaluated: 2020-08-13. Review status: criteria provided, single submitter. Criteria: Ambry Variant Classification Scheme 2023. Collection method: clinical testing. Allele origin: germline.
Comment: The p.V698I variant (also known as c.2092G>A), located in coding exon 15 of the GSN gene, results from a G to A substitution at nucleotide position 2092. The valine at codon 698 is replaced by isoleucine, an amino acid with highly similar properties. This amino acid position is highly conserved in available vertebrate species. In addition, this alteration is predicted to be tolerated by in silico analysis. Since supporting evidence is limited at this time, the clinical significance of this alteration remains unclear.

PreventionGenetics, part of Exact Sciences
Classification: Uncertain significance for GSN-related condition. Last evaluated: 2024-05-14. Review status: no assertion criteria provided. Collection method: clinical testing. Allele origin: germline. Not counted in ClinVar's aggregate classification.
Comment: The GSN c.2092G>A variant is predicted to result in the amino acid substitution p.Val698Ile. To our knowledge, this variant has not been reported in the literature. This variant is reported in 0.044% of alleles in individuals of African descent in gnomAD, which may be too common to be an undocumented cause of disease. Although we suspect that this variant may be benign, at this time, the clinical significance of this variant is uncertain due to the absence of conclusive functional and genetic evidence.